The following is an entry in ClinVar:

NM_001278426.4(LILRB4):c.1029A>G (p.Glu343=)

Gene: LILRB4 (leukocyte immunoglobulin like receptor B4; plus strand). Cytogenetic location: 19q13.42.
Variant type: single nucleotide variant.
Coding change: c.1029A>G on transcript NM_001278426.4 (MANE Select); coding-DNA position 1029, A replaced by G.
Protein change: p.Glu343=; no amino-acid change (glutamic acid 343 retained).
Molecular consequence: synonymous variant.
Genome position (GRCh38, 1-based): chr19:54,666,737, A>G. VCF-style: chr19-54666737-A-G. GRCh37 (hg19) VCF-style: chr19-55178188-A-G.
Other names: c.996A>G, p.Glu332= (NM_001278429.4); c.1032A>G, p.Glu344= (NM_001394933.1, NM_001278428.4); c.1026A>G, p.Glu342= (NM_001394934.1, NM_001394935.1); c.993A>G, p.Glu331= (NM_001394936.1); c.990A>G, p.Glu330= (NM_001394937.1); c.882A>G, p.Glu294= (NM_001394938.1); c.1029A>G, p.Glu343= (NM_001394939.1, NM_001278427.4).
Identifiers: ClinVar variation 2650455 (VCV002650455.24), dbSNP rs144393412, ClinGen allele CA309800635.

ClinVar aggregate classification (germline): Likely benign (1 of 4 stars; one submission).

Allele frequency attached by ClinVar (database versions not stated): 1000 Genomes Project 30x 0.00031; 1000 Genomes Project 0.00040; TOPMed 0.00130; gnomAD 0.00189; ESP Exome Variant Server 0.00208; ExAC 0.00283.
gnomAD v4.1: 3,128 of 1,614,124 alleles (0.19%); highest among the groups gnomAD compares: South Asian, 0.25%; 20 homozygotes.

Submission:

CeGaT Center for Human Genetics Tuebingen
Classification: Likely benign. Last evaluated: 2022-11-01. Review status: criteria provided, single submitter. Criteria: CeGaT Center For Human Genetics Tuebingen Variant Classification Criteria Version 2. Collection method: clinical testing. Allele origin: germline. Affected: yes. Observed: 1 variant allele.
Comment: LILRB4: BP4, BP7, BS2